The following is an entry in ClinVar:

NM_017570.5(OPLAH):c.646G>A (p.Val216Met)

Gene: OPLAH (5-oxoprolinase, ATP-hydrolysing; minus strand). Cytogenetic location: 8q24.3.
Variant type: single nucleotide variant.
Coding change: c.646G>A on transcript NM_017570.5 (MANE Select); coding-DNA position 646, G replaced by A.
Protein change: p.Val216Met; replaces valine 216 with methionine.
Molecular consequence: missense variant.
Genome position (GRCh38, 1-based): chr8:144,058,633, C>T on the plus strand (G>A on the coding strand, the complement: OPLAH is on the minus strand). VCF-style: chr8-144058633-C-T. GRCh37 (hg19) VCF-style: chr8-145113536-C-T.
Other names: c.646G>A (NM_017570.3); short protein forms V216M.
Identifiers: ClinVar variation 1429837 (VCV001429837.6), dbSNP rs374238208, ClinGen allele CA4932211.

ClinVar aggregate classification (germline): Uncertain significance. Review status: criteria provided, multiple submitters, no conflicts (2 of 4 stars). 3 submissions from 3 submitters: Uncertain significance (3). Last evaluated 2024-01-29.

Conditions:
5-Oxoprolinase deficiency (OPLAHD). Also called: 5-OXOPROLINURIA DUE TO 5-OXOPROLINASE DEFICIENCY. Identifiers: Orphanet 33572, MedGen C0268525, MONDO:0009825, OMIM 260005, HP:0040142.

Allele frequency attached by ClinVar (database versions not stated): ExAC 0.00001; gnomAD exomes 0.00003 and 0.00004; ESP Exome Variant Server 0.00008.
gnomAD v4.1: 74 of 1,602,554 alleles (0.0046%); highest among the groups gnomAD compares: Middle Eastern, 0.017%; no homozygotes.

Submissions (3):

Ambry Genetics
Classification: Uncertain significance. Last evaluated: 2024-01-29. Review status: criteria provided, single submitter. Criteria: Ambry Variant Classification Scheme 2023. Collection method: clinical testing. Allele origin: germline.

Labcorp Genetics (formerly Invitae), Labcorp
Classification: Uncertain significance for 5-Oxoprolinase deficiency. Last evaluated: 2022-08-15. Review status: criteria provided, single submitter. Criteria: Invitae Variant Classification Sherloc (09022015). Collection method: clinical testing. Allele origin: germline.
Comment: In summary, the available evidence is currently insufficient to determine the role of this variant in disease. Therefore, it has been classified as a Variant of Uncertain Significance. Experimental studies and prediction algorithms are not available or were not evaluated, and the functional significance of this variant is currently unknown. ClinVar contains an entry for this variant (Variation ID: 1429837). This variant has not been reported in the literature in individuals affected with OPLAH-related conditions. This variant is present in population databases (rs374238208, gnomAD 0.02%). This sequence change replaces valine, which is neutral and non-polar, with methionine, which is neutral and non-polar, at codon 216 of the OPLAH protein (p.Val216Met).

Fulgent Genetics
Classification: Uncertain significance for 5-Oxoprolinase deficiency. Last evaluated: 2022-05-17. Review status: criteria provided, single submitter. Criteria: ACMG Guidelines, 2015. Collection method: clinical testing. Allele origin: unknown.